The following is an entry in ClinVar:

ClinVar aggregate classification (germline): Uncertain significance (1 of 4 stars; one submission).

Submission:

Labcorp Genetics (formerly Invitae), Labcorp
Classification: Uncertain significance. Last evaluated: 2023-02-09. Review status: criteria provided, single submitter. Criteria: Invitae Variant Classification Sherloc (09022015). Collection method: clinical testing. Allele origin: germline.
Comment: This variant has not been reported in the literature in individuals affected with MAGEL2-related conditions. In summary, the available evidence is currently insufficient to determine the role of this variant in disease. Therefore, it has been classified as a Variant of Uncertain Significance. Advanced modeling of protein sequence and biophysical properties (such as structural, functional, and spatial information, amino acid conservation, physicochemical variation, residue mobility, and thermodynamic stability) performed at Invitae indicates that this missense variant is not expected to disrupt MAGEL2 protein function. This variant is not present in population databases (gnomAD no frequency). This sequence change replaces valine, which is neutral and non-polar, with leucine, which is neutral and non-polar, at codon 659 of the MAGEL2 protein (p.Val659Leu).

NM_019066.5(MAGEL2):c.1975G>T (p.Val659Leu)

Gene: MAGEL2 (MAGE family member L2; minus strand). Cytogenetic location: 15q11.2.
Variant type: single nucleotide variant.
Coding change: c.1975G>T on transcript NM_019066.5 (MANE Select); coding-DNA position 1975, G replaced by T.
Protein change: p.Val659Leu; replaces valine 659 with leucine.
Molecular consequence: missense variant.
Genome position (GRCh38, 1-based): chr15:23,645,768, C>A on the plus strand (G>T on the coding strand, the complement: MAGEL2 is on the minus strand). VCF-style: chr15-23645768-C-A. GRCh37 (hg19) VCF-style: chr15-23890915-C-A.
Other names: short protein forms V659L.
Identifiers: ClinVar variation 3000885 (VCV003000885.3), dbSNP rs754093332, ClinGen allele CA391332932.